The following is an entry in ClinVar:

NM_003489.4(NRIP1):c.268T>A (p.Ser90Thr)

Gene: NRIP1 (nuclear receptor interacting protein 1; minus strand). Cytogenetic location: 21q11.2.
Variant type: single nucleotide variant.
Coding change: c.268T>A on transcript NM_003489.4 (MANE Select); coding-DNA position 268, T replaced by A.
Protein change: p.Ser90Thr; replaces serine 90 with threonine.
Molecular consequence: missense variant.
Genome position (GRCh38, 1-based): chr21:14,967,925, A>T on the plus strand (T>A on the coding strand, the complement: NRIP1 is on the minus strand). VCF-style: chr21-14967925-A-T. GRCh37 (hg19) VCF-style: chr21-16340246-A-T.
Other names: c.268T>A (NM_003489.3); short protein forms S90T.
Identifiers: ClinVar variation 2782439 (VCV002782439.4), dbSNP rs369243807, ClinGen allele CA9981519.

ClinVar aggregate classification (germline): Uncertain significance. Review status: criteria provided, multiple submitters, no conflicts (2 of 4 stars). 2 submissions from 2 submitters: Uncertain significance (2). Last evaluated 2025-11-03.

Conditions:
Inborn genetic diseases. Identifiers: MedGen C0950123, MeSH D030342.

Allele frequency attached by ClinVar (database versions not stated): gnomAD exomes below 0.00001; TOPMed below 0.00001; ExAC 0.00001; ESP Exome Variant Server 0.00008.

Submissions (2):

Ambry Genetics
Classification: Uncertain significance for Inborn genetic diseases. Last evaluated: 2025-11-03. Review status: criteria provided, single submitter. Criteria: Ambry Variant Classification Scheme 2023. Collection method: clinical testing. Allele origin: germline.

Labcorp Genetics (formerly Invitae), Labcorp
Classification: Uncertain significance. Last evaluated: 2023-06-21. Review status: criteria provided, single submitter. Criteria: Invitae Variant Classification Sherloc (09022015). Collection method: clinical testing. Allele origin: germline.
Comment: This sequence change replaces serine, which is neutral and polar, with threonine, which is neutral and polar, at codon 90 of the NRIP1 protein (p.Ser90Thr). This variant is present in population databases (rs369243807, gnomAD 0.002%). This variant has not been reported in the literature in individuals affected with NRIP1-related conditions. An algorithm developed to predict the effect of missense changes on protein structure and function (PolyPhen-2) suggests that this variant is likely to be disruptive. In summary, the available evidence is currently insufficient to determine the role of this variant in disease. Therefore, it has been classified as a Variant of Uncertain Significance.